The following is an entry in ClinVar:

ClinVar aggregate classification (germline): Uncertain significance (1 of 4 stars; one submission).

Allele frequency attached by ClinVar (database versions not stated): gnomAD 0.00001; TOPMed 0.00004; gnomAD exomes 0.00003.
gnomAD v4.1: 8 of 383,810 alleles (0.0021%); highest among the groups gnomAD compares: Admixed American, 0.03%; no homozygotes.

Submission:

GeneDx
Classification: Uncertain significance. Last evaluated: 2023-03-16. Review status: criteria provided, single submitter. Criteria: GeneDx Variant Classification Process June 2021. Collection method: clinical testing. Allele origin: germline. Affected: yes.
Comment: Canonical splice site variant with an unclear effect on protein function; No data available from control populations to assess the frequency of this variant; Has not been previously published as pathogenic or benign to our knowledge

NM_001111034.3(ACP5):c.-87-2A>G

Gene: ACP5 (acid phosphatase 5, tartrate resistant; minus strand). Cytogenetic location: 19p13.2.
Variant type: single nucleotide variant.
Coding change: c.-87-2A>G on transcript NM_001111034.3; the canonical splice acceptor site of the intron before 87 bases upstream of the start codon, A replaced by G.
Molecular consequence: splice acceptor variant.
Genome position (GRCh38, 1-based): chr19:11,577,681, T>C on the plus strand (A>G on the coding strand, the complement: ACP5 is on the minus strand). VCF-style: chr19-11577681-T-C. GRCh37 (hg19) VCF-style: chr19-11688496-T-C.
Other names: c.-87-2A>G (NM_001111036.3, NM_001111035.3, NM_001439235.1 and 4 more transcripts).
Identifiers: ClinVar variation 2579878 (VCV002579878.1), dbSNP rs1023572946, ClinGen allele CA305359718.